The following is an entry in ClinVar:

NM_001355436.2(SPTB):c.5290G>T (p.Glu1764Ter)

Gene: SPTB (spectrin beta, erythrocytic; minus strand). Cytogenetic location: 14q23.3.
Variant type: single nucleotide variant.
Coding change: c.5290G>T on transcript NM_001355436.2 (MANE Select); coding-DNA position 5290, G replaced by T.
Protein change: p.Glu1764Ter; replaces glutamic acid 1764 with a stop codon.
Molecular consequence: nonsense.
Genome position (GRCh38, 1-based): chr14:64,772,843, C>A on the plus strand (G>T on the coding strand, the complement: SPTB is on the minus strand). VCF-style: chr14-64772843-C-A. GRCh37 (hg19) VCF-style: chr14-65239561-C-A.
Other names: c.5290G>T, p.Glu1764Ter (NM_001024858.4, NM_001355437.2); short protein forms E1764*.
Identifiers: ClinVar variation 2758960 (VCV002758960.3), dbSNP rs1222896246, ClinGen allele CA390041249.

ClinVar aggregate classification (germline): Pathogenic (1 of 4 stars; one submission).

Submission:

Labcorp Genetics (formerly Invitae), Labcorp
Classification: Pathogenic. Last evaluated: 2023-09-08. Review status: criteria provided, single submitter. Criteria: Invitae Variant Classification Sherloc (09022015). Collection method: clinical testing. Allele origin: germline.
Comment: This sequence change creates a premature translational stop signal (p.Glu1764*) in the SPTB gene. It is expected to result in an absent or disrupted protein product. Loss-of-function variants in SPTB are known to be pathogenic (PMID: 1391962, 1498324, 8844207, 26830532, 27292444). This variant is not present in population databases (gnomAD no frequency). For these reasons, this variant has been classified as Pathogenic. This variant has not been reported in the literature in individuals affected with SPTB-related conditions.

Literature cited by the submitters: PubMed 1391962; PubMed 1498324; PubMed 8844207; PubMed 26830532; PubMed 27292444.